The following is an entry in ClinVar:

ClinVar aggregate classification (germline): Likely benign. Review status: criteria provided, multiple submitters, no conflicts (2 of 4 stars). 2 submissions from 2 submitters: Likely benign (2). Last evaluated 2025-02-03.

Conditions:
Lynch syndrome 4 (LYNCH4). Also called: Colorectal cancer, hereditary nonpolyposis, type 4; Hereditary non-polyposis colorectal cancer, type 4. Identifiers: Orphanet 144, MedGen C1838333, MONDO:0013699, OMIM 614337. Disease mechanism: loss of function.
Hereditary nonpolyposis colorectal neoplasms. Identifiers: MedGen C0009405, MeSH D003123.

Allele frequency attached by ClinVar (database versions not stated): gnomAD exomes below 0.00001.
gnomAD v4.1: 3 of 1,603,424 alleles (0.00019%); highest among the groups gnomAD compares: Non-Finnish European, 0.00017%; no homozygotes.

Submissions (2):

Myriad Genetics, Inc.
Classification: Likely benign for Lynch syndrome 4. Last evaluated: 2025-02-03. Review status: criteria provided, single submitter. Criteria: Myriad Autosomal Dominant, Autosomal Recessive and X-Linked Classification Criteria (2023). Collection method: clinical testing. Allele origin: unknown.
Comment: This variant is considered likely benign. This variant is intronic and is not expected to impact mRNA splicing.

Labcorp Genetics (formerly Invitae), Labcorp
Classification: Likely benign for Hereditary nonpolyposis colorectal neoplasms. Last evaluated: 2023-11-24. Review status: criteria provided, single submitter. Criteria: Invitae Variant Classification Sherloc (09022015). Collection method: clinical testing. Allele origin: germline.

NM_000535.7(PMS2):c.2276-6T>C

Gene: PMS2 (PMS1 homolog 2, mismatch repair system component; minus strand). Cytogenetic location: 7p22.1.
Variant type: single nucleotide variant.
Coding change: c.2276-6T>C on transcript NM_000535.7 (MANE Select); 6 bases into the intron before coding-DNA position 2276, T replaced by C.
Molecular consequence: intron variant. On other transcripts: missense variant (2).
Genome position (GRCh38, 1-based): chr7:5,977,763, A>G on the plus strand (T>C on the coding strand, the complement: PMS2 is on the minus strand). VCF-style: chr7-5977763-A-G. GRCh37 (hg19) VCF-style: chr7-6017394-A-G.
Other names: c.1898T>C, p.Leu633Pro (NM_001322009.2); c.2303T>C, p.Leu768Pro (NM_001322014.2); c.1958-6T>C (NM_001322008.2, NM_001322007.2); c.1715-6T>C (NM_001322010.2); c.1871-6T>C (NM_001322004.2, NM_001322003.2, NM_001322005.2); c.1703-6T>C (NM_001322013.2); c.1343-6T>C (NM_001322012.2, NM_001322011.2); c.1967-6T>C (NM_001322015.2); and 1 more; short protein forms L768P, L633P.
Identifiers: ClinVar variation 798665 (VCV000798665.11), dbSNP rs1404301908, ClinGen allele CA915944851.